The following is an entry in ClinVar:

ClinVar aggregate classification (germline): Uncertain significance (1 of 4 stars; one submission).

Conditions:
Developmental and epileptic encephalopathy 94 (DEE94). Also called: CHD2-Related Neurodevelopmental Disorders; Epileptic encephalopathy, childhood-onset. Identifiers: Orphanet 1942, Orphanet 2382, MedGen C3809278, MONDO:0014150, OMIM 615369.

Submission:

Labcorp Genetics (formerly Invitae), Labcorp
Classification: Uncertain significance for Developmental and epileptic encephalopathy 94. Last evaluated: 2025-09-16. Review status: criteria provided, single submitter. Criteria: Invitae Variant Classification Sherloc (09022015). Collection method: clinical testing. Allele origin: germline.
Comment: This sequence change replaces alanine, which is neutral and non-polar, with valine, which is neutral and non-polar, at codon 1168 of the CHD2 protein (p.Ala1168Val). This variant is not present in population databases (gnomAD no frequency). This variant has not been reported in the literature in individuals affected with CHD2-related conditions. ClinVar contains an entry for this variant (Variation ID: 3610355). Invitae Evidence Modeling of protein sequence and biophysical properties (such as structural, functional, and spatial information, amino acid conservation, physicochemical variation, residue mobility, and thermodynamic stability) indicates that this missense variant is not expected to disrupt CHD2 protein function with a negative predictive value of 95%. In summary, the available evidence is currently insufficient to determine the role of this variant in disease. Therefore, it has been classified as a Variant of Uncertain Significance.

NM_001271.4(CHD2):c.3503C>T (p.Ala1168Val)

Gene: CHD2 (chromodomain helicase DNA binding protein 2; plus strand). Cytogenetic location: 15q26.1.
Variant type: single nucleotide variant.
Coding change: c.3503C>T on transcript NM_001271.4 (MANE Select); coding-DNA position 3503, C replaced by T.
Protein change: p.Ala1168Val; replaces alanine 1168 with valine.
Molecular consequence: missense variant.
Genome position (GRCh38, 1-based): chr15:92,992,906, C>T. VCF-style: chr15-92992906-C-T. GRCh37 (hg19) VCF-style: chr15-93536136-C-T.
Other names: short protein forms A1168V.
Identifiers: ClinVar variation 3610355 (VCV003610355.2).
Genomic context (GRCh38, chr15:92,992,906, plus strand): 5'-TGTTCCTCCTCAGGCTGGAGTGCATAGCACGTGATGCTGAGCTGGTAGATAAGTCGGTGG[C>T]AGATCTGAAGCGCCTGGGTGAACTGATCCACAACAGCTGTGTGTCAGCAATGCAGGAATA-3'
Protein context (NP_001262.3, residues 1158-1178): RDAELVDKSV[Ala1168Val]DLKRLGELIH